The following is an entry in ClinVar:

NM_003073.5(SMARCB1):c.260G>A (p.Ser87Asn)

Gene: SMARCB1 (SWI/SNF related BAF chromatin remodeling complex subunit B1; plus strand). Cytogenetic location: 22q11.23.
Variant type: single nucleotide variant.
Coding change: c.260G>A on transcript NM_003073.5 (MANE Select); coding-DNA position 260, G replaced by A.
Protein change: p.Ser87Asn; replaces serine 87 with asparagine.
Molecular consequence: missense variant.
Genome position (GRCh38, 1-based): chr22:23,793,586, G>A. VCF-style: chr22-23793586-G-A. GRCh37 (hg19) VCF-style: chr22-24135773-G-A.
Other names: c.233G>A, p.Ser78Asn (NM_001007468.3, NM_001317946.2); c.260G>A, p.Ser87Asn (NM_001362877.2); short protein forms S87N, S78N.
Identifiers: ClinVar variation 1793783 (VCV001793783.8), dbSNP rs2145963802, ClinGen allele CA410933675.

ClinVar aggregate classification (germline): Uncertain significance. Review status: criteria provided, multiple submitters, no conflicts (2 of 4 stars). 2 submissions from 2 submitters: Uncertain significance (2). Last evaluated 2025-03-15.

Conditions:
Hereditary cancer-predisposing syndrome. Also called: Tumor predisposition; Hereditary Cancer Syndrome; Neoplastic Syndromes, Hereditary; Hereditary neoplastic syndrome. Identifiers: Orphanet 140162, MedGen C0027672, MeSH D009386, MONDO:0015356.

Submissions (2):

Labcorp Genetics (formerly Invitae), Labcorp
Classification: Uncertain significance. Last evaluated: 2025-03-15. Review status: criteria provided, single submitter. Criteria: Invitae Variant Classification Sherloc (09022015). Collection method: clinical testing. Allele origin: germline.
Comment: This sequence change replaces serine, which is neutral and polar, with asparagine, which is neutral and polar, at codon 87 of the SMARCB1 protein (p.Ser87Asn). This variant is not present in population databases (gnomAD no frequency). This variant has not been reported in the literature in individuals affected with SMARCB1-related conditions. ClinVar contains an entry for this variant (Variation ID: 1793783). Invitae Evidence Modeling of protein sequence and biophysical properties (such as structural, functional, and spatial information, amino acid conservation, physicochemical variation, residue mobility, and thermodynamic stability) indicates that this missense variant is not expected to disrupt SMARCB1 protein function with a negative predictive value of 80%. In summary, the available evidence is currently insufficient to determine the role of this variant in disease. Therefore, it has been classified as a Variant of Uncertain Significance.

Ambry Genetics
Classification: Uncertain significance for Hereditary cancer-predisposing syndrome. Last evaluated: 2023-07-18. Review status: criteria provided, single submitter. Criteria: Ambry Variant Classification Scheme 2023. Collection method: clinical testing. Allele origin: germline.
Comment: The p.S87N variant (also known as c.260G>A), located in coding exon 3 of the SMARCB1 gene, results from a G to A substitution at nucleotide position 260. The serine at codon 87 is replaced by asparagine, an amino acid with highly similar properties. This amino acid position is highly conserved in available vertebrate species. In addition, the in silico prediction for this alteration is inconclusive. Missense and in-frame variants in SMARCB1 are known to cause neurodevelopmental disorders; however, such associations with rhabdoid tumor predisposition syndrome are exceedingly rare (Kosho T et al. Am J Med Genet C Semin Med Genet. 2014 Sep;166C(3):262-75; Eaton KW et al. Pediatr Blood Cancer. 2011 Jan;56(1):7-15). Based on the supporting evidence, the association of this alteration with Coffin-Siris syndrome is unknown; however, the association of this alteration with SMARCB1-related tumor predisposition syndrome is unlikely.